The following is an entry in ClinVar:

NM_015629.4(PRPF31):c.7_8del (p.Leu3fs)

Gene: PRPF31 (pre-mRNA processing factor 31; plus strand). Cytogenetic location: 19q13.42.
Variant type: Microsatellite.
Coding change: c.7_8del on transcript NM_015629.4 (MANE Select); coding-DNA positions 7 to 8, 2 bases deleted (CT; older notation c.7_8delCT).
Protein change: p.Leu3fs; shifts the reading frame from leucine 3.
Molecular consequence: frameshift variant.
Genome position (GRCh38, 1-based): chr19:54,118,285-54,118,286, CT deleted; deleting any 2 consecutive bases within chr19:54,118,282-54,118,286 gives the same sequence; the c. name uses the placement nearest the transcript's 3' end. VCF-style (leftmost placement, unchanged base first): chr19-54118281-GTC-G. GRCh37 (hg19) VCF-style: chr19-54621661-GTC-G.
Other names: short protein forms L3fs.
Identifiers: ClinVar variation 2028917 (VCV002028917.5), dbSNP rs2516077994, ClinGen allele CA2580614964.

ClinVar aggregate classification (germline): Pathogenic. Review status: criteria provided, single submitter (1 of 4 stars). 2 submissions from 2 submitters: Pathogenic (1). 1 of the submissions does not count toward it. Last evaluated 2024-10-11.

Conditions:
Retinal dystrophy. Also called: Inherited retinal dystrophy. Identifiers: Orphanet 71862, MedGen C0854723, MeSH D058499, MONDO:0019118, HP:0000556.

Submissions (2):

Labcorp Genetics (formerly Invitae), Labcorp
Classification: Pathogenic. Last evaluated: 2024-10-11. Review status: criteria provided, single submitter. Criteria: Invitae Variant Classification Sherloc (09022015). Collection method: clinical testing. Allele origin: germline.
Comment: This sequence change creates a premature translational stop signal (p.Leu3Glyfs*3) in the PRPF31 gene. It is expected to result in an absent or disrupted protein product. Loss-of-function variants in PRPF31 are known to be pathogenic (PMID: 18317597, 23950152). This variant is not present in population databases (gnomAD no frequency). This variant has not been reported in the literature in individuals affected with PRPF31-related conditions. For these reasons, this variant has been classified as Pathogenic.

Institute of Human Genetics, Univ. Regensburg, Univ. Regensburg
Classification: Pathogenic for Retinal dystrophy. Last evaluated: 2020-01-01. Review status: no assertion criteria provided. Criteria: ACMG Guidelines, 2015. Collection method: clinical testing. Allele origin: germline. Affected: yes. Not counted in ClinVar's aggregate classification.

Literature cited by the submitters: PubMed 18317597 (cited by Labcorp Genetics (formerly Invitae), Labcorp); PubMed 23950152 (cited by Labcorp Genetics (formerly Invitae), Labcorp).